The following is an entry in ClinVar:

ClinVar aggregate classification (germline): Uncertain significance. Review status: criteria provided, multiple submitters, no conflicts (2 of 4 stars). 2 submissions from 2 submitters: Uncertain significance (2). Last evaluated 2025-10-02.

Allele frequency attached by ClinVar (database versions not stated): 1000 Genomes Project 0.00020; ESP Exome Variant Server 0.00030; 1000 Genomes Project 30x 0.00062.

Submissions (2):

Labcorp Genetics (formerly Invitae), Labcorp
Classification: Uncertain significance. Last evaluated: 2025-10-02. Review status: criteria provided, single submitter. Criteria: Invitae Variant Classification Sherloc (09022015). Collection method: clinical testing. Allele origin: germline.
Comment: This sequence change replaces glycine, which is neutral and non-polar, with arginine, which is basic and polar, at codon 270 of the TNFRSF6B protein (p.Gly270Arg). This variant is present in population databases (rs372049533, gnomAD 0.07%), and has an allele count higher than expected for a pathogenic variant. This variant has not been reported in the literature in individuals affected with TNFRSF6B-related conditions. ClinVar contains an entry for this variant (Variation ID: 1353489). An algorithm developed to predict the effect of missense changes on protein structure and function (PolyPhen-2) suggests that this variant is likely to be tolerated. In summary, the available evidence is currently insufficient to determine the role of this variant in disease. Therefore, it has been classified as a Variant of Uncertain Significance.

Ambry Genetics
Classification: Uncertain significance. Last evaluated: 2025-01-02. Review status: criteria provided, single submitter. Criteria: Ambry Variant Classification Scheme 2023. Collection method: clinical testing. Allele origin: germline.

NM_003823.4(TNFRSF6B):c.808G>A (p.Gly270Arg)

Genes: RTEL1-TNFRSF6B (RTEL1-TNFRSF6B readthrough (NMD candidate); plus strand), TNFRSF6B (TNF receptor superfamily member 6b; plus strand). Cytogenetic location: 20q13.33.
Variant type: single nucleotide variant.
Coding change: c.808G>A on transcript NM_003823.4 (MANE Select); coding-DNA position 808, G replaced by A.
Protein change: p.Gly270Arg; replaces glycine 270 with arginine.
Molecular consequence: missense variant. On other transcripts: non-coding transcript variant (1).
Genome position (GRCh38, 1-based): chr20:63,698,468, G>A. VCF-style: chr20-63698468-G-A. GRCh37 (hg19) VCF-style: chr20-62329821-G-A.
Other names: c.808G>A (NM_003823.3); short protein forms G270R.
Identifiers: ClinVar variation 1353489 (VCV001353489.10), dbSNP rs372049533, ClinGen allele CA9966621.